The following is an entry in ClinVar:

NM_006147.4(IRF6):c.194G>A (p.Gly65Glu)

Gene: IRF6 (interferon regulatory factor 6; minus strand). Cytogenetic location: 1q32.2.
Variant type: single nucleotide variant.
Coding change: c.194G>A on transcript NM_006147.4 (MANE Select); coding-DNA position 194, G replaced by A.
Protein change: p.Gly65Glu; replaces glycine 65 with glutamic acid.
Molecular consequence: missense variant. On other transcripts: 5 prime UTR variant (1).
Genome position (GRCh38, 1-based): chr1:209,796,533, C>T on the plus strand (G>A on the coding strand, the complement: IRF6 is on the minus strand). VCF-style: chr1-209796533-C-T. GRCh37 (hg19) VCF-style: chr1-209969878-C-T.
Other names: c.194G>A (NM_006147.3); c.-92G>A (NM_001206696.2); short protein forms G65E.
Identifiers: ClinVar variation 976856 (VCV000976856.3), dbSNP rs2077902309, ClinGen allele CA344583715.

ClinVar aggregate classification (germline): Likely pathogenic. Review status: criteria provided, single submitter (1 of 4 stars). 3 submissions from 3 submitters: Likely pathogenic (1). 2 of the submissions do not count toward it. Last evaluated 2024-03-25.

Conditions:
Autosomal dominant popliteal pterygium syndrome. Also called: CLEFT LIP/PALATE, PARAMEDIAN MUCOUS CYSTS OF THE LOWER LIP, POPLITEAL PTERYGIUM, DIGITAL AND GENITAL ANOMALIES; FACIOGENITOPOPLITEAL SYNDROME; Popliteal Pterygium Syndrome (PPS). Identifiers: Orphanet 1300, MedGen C5848052, MONDO:0007334, OMIM 119500.
IRF6-related condition. Also called: IRF6-related disorder; IRF6-Related Disorders. Identifiers: MedGen CN378148, MONDO:1040010.

Submissions (3):

GeneDx
Classification: Likely pathogenic. Last evaluated: 2024-03-25. Review status: criteria provided, single submitter. Criteria: GeneDx Variant Classification Process June 2021. Collection method: clinical testing. Allele origin: germline. Affected: yes.
Comment: Not observed at significant frequency in large population cohorts (gnomAD); In silico analysis supports that this missense variant has a deleterious effect on protein structure/function; This variant is associated with the following publications: (PMID: 34643600)

PreventionGenetics, part of Exact Sciences
Classification: Likely pathogenic for IRF6-related condition. Last evaluated: 2024-08-13. Review status: no assertion criteria provided. Collection method: clinical testing. Allele origin: germline. Not counted in ClinVar's aggregate classification.
Comment: The IRF6 c.194G>A variant is predicted to result in the amino acid substitution p.Gly65Glu. This variant has been reported as paternally inherited in three affected siblings from one large family with Van Der Woude syndrome (Eshete et al. 2022. PubMed ID: 34643600). This variant has not been reported in a large population database, indicating this variant is rare. An alternative nucleotide change affecting the same amino acid (c.194G>T, p.Gly65Val) has also been reported in an individual with Van Der Woude syndrome (Gowans et al. 2017. PubMed ID: 28361103).  In summary, the c.194G>A (p.Gly65Glu) variant is interpreted as likely pathogenic.

Iowa Institute Of Oral Health Research, University of Iowa
No classification provided. Condition: Autosomal dominant popliteal pterygium syndrome. Review status: no classification provided. Collection method: phenotyping only. Allele origin: maternal. Affected: yes. Observed: 3 variant alleles. Clinical features observed: Cleft palate (soft palate), club foot, lower lip pits, Velopharyngeal insufficiency. Not counted in ClinVar's aggregate classification.
Comment: likely pathogenic